The following is an entry in ClinVar:

ClinVar aggregate classification (germline): Conflicting classifications of pathogenicity. Review status: criteria provided, conflicting classifications (1 of 4 stars). 3 submissions from 3 submitters: Uncertain significance (2); Likely benign (1). Last evaluated 2026-01-26.

Conditions:
Autosomal recessive limb-girdle muscular dystrophy type R18 (LGMDR18). Also called: MUSCULAR DYSTROPHY, LIMB-GIRDLE, AUTOSOMAL RECESSIVE 18; Limb-girdle muscular dystrophy, type 2S; Autosomal recessive limb-girdle muscular dystrophy type 2S. Identifiers: Orphanet 369840, MedGen C4517996, MONDO:0014144, OMIM 615356.

Allele frequency attached by ClinVar (database versions not stated): gnomAD 0.00007 and below 0.00001; gnomAD exomes 0.00011 and 0.00026; ExAC 0.00036; TOPMed 0.00002; 1000 Genomes Project 30x 0.00016; 1000 Genomes Project 0.00020.
gnomAD v4.1: 178 of 1,611,736 alleles (0.011%); highest among the groups gnomAD compares: South Asian, 0.18%; 3 homozygotes.

Submissions (3):

Labcorp Genetics (formerly Invitae), Labcorp
Classification: Likely benign for Autosomal recessive limb-girdle muscular dystrophy type R18. Last evaluated: 2026-01-26. Review status: criteria provided, single submitter. Criteria: Invitae Variant Classification Sherloc (09022015). Collection method: clinical testing. Allele origin: germline.

GeneDx
Classification: Uncertain significance. Last evaluated: 2024-09-05. Review status: criteria provided, single submitter. Criteria: GeneDx Variant Classification Process June 2021. Collection method: clinical testing. Allele origin: germline. Affected: yes.
Comment: In silico analysis supports that this missense variant has a deleterious effect on protein structure/function; Has not been previously published as pathogenic or benign to our knowledge

Revvity Omics, Revvity
Classification: Uncertain significance for Autosomal recessive limb-girdle muscular dystrophy type R18. Last evaluated: 2023-11-10. Review status: criteria provided, single submitter. Criteria: ACMG Guidelines, 2015. Collection method: clinical testing. Allele origin: germline.

NM_021942.6(TRAPPC11):c.944A>G (p.His315Arg)

Gene: TRAPPC11 (trafficking protein particle complex subunit 11; plus strand). Cytogenetic location: 4q35.1.
Variant type: single nucleotide variant.
Coding change: c.944A>G on transcript NM_021942.6 (MANE Select); coding-DNA position 944, A replaced by G.
Protein change: p.His315Arg; replaces histidine 315 with arginine.
Molecular consequence: missense variant.
Genome position (GRCh38, 1-based): chr4:183,679,465, A>G. VCF-style: chr4-183679465-A-G. GRCh37 (hg19) VCF-style: chr4-184600618-A-G.
Other names: c.944A>G, p.His315Arg (NM_199053.3); short protein forms H315R.
Identifiers: ClinVar variation 772551 (VCV000772551.14), dbSNP rs533000838, ClinGen allele CA3151751.
Genomic context (GRCh38, chr4:183,679,465, plus strand): 5'-TCCGAAAACACATCGACTTGTGTAAGAAAAAGATTGGAAGTGCAGAGCTGTCTTTTGAGC[A>G]TGATGCATGGATGTCTAAACAGTATGTTTTACATTGTCCTTTTAGAATTTTTTAAAAATG-3'
Protein context (NP_068761.4, residues 305-325): KIGSAELSFE[His315Arg]DAWMSKQFQA